The following is an entry in ClinVar:

NM_007294.4(BRCA1):c.166A>G (p.Lys56Glu)

Gene: BRCA1 (BRCA1 DNA repair associated; minus strand). Cytogenetic location: 17q21.31.
Variant type: single nucleotide variant.
Coding change: c.166A>G on transcript NM_007294.4 (MANE Select); coding-DNA position 166, A replaced by G.
Protein change: p.Lys56Glu; replaces lysine 56 with glutamic acid.
Molecular consequence: missense variant. On other transcripts: non-coding transcript variant (1).
Genome position (GRCh38, 1-based): chr17:43,106,502, T>C on the plus strand (A>G on the coding strand, the complement: BRCA1 is on the minus strand). VCF-style: chr17-43106502-T-C. GRCh37 (hg19) VCF-style: chr17-41258519-T-C.
Other names: c.166A>G, p.Lys56Glu (NM_001407641.1, NM_001407642.1, NM_001407644.1 and 168 more transcripts); c.25A>G, p.Lys9Glu (NM_001407692.1, NM_001407694.1, NM_001407695.1 and 99 more transcripts); c.-23A>G (NM_001407853.1, NM_001407879.1, NM_001407881.1 and 58 more transcripts); short protein forms K9E, K56E.
Identifiers: ClinVar variation 867294 (VCV000867294.3), dbSNP rs2054785999, ClinGen allele CA10601823.

Conditions:
Breast-ovarian cancer, familial, susceptibility to, 1 (BROVCA1). Also called: BRCA1 Hereditary Breast and Ovarian Cancer; OVARIAN CANCER, SUSCEPTIBILITY TO. Identifiers: Orphanet 145, MedGen C2676676, MONDO:0011450, OMIM 604370. Disease mechanism: loss of function.

Allele frequency attached by ClinVar (database versions not stated): gnomAD exomes below 0.00001.
gnomAD v4.1: 1 of 1,604,170 alleles (0.000062%); highest among the groups gnomAD compares: South Asian, 0.0011%; no homozygotes.

Submission:

Brotman Baty Institute, University of Washington
No classification provided (evidence only). Condition: Breast-ovarian cancer, familial 1. Review status: no classification provided. Collection method: in vitro. Allele origin: not applicable. Functional consequence: functionally_normal.
ClinVar note: "not provided" was previously submitted as the classification for the variant. However, the classification appeared to be based only on an observation of functional data so it was converted to no classification on 2025-07-30.